The following is an entry in ClinVar:

ClinVar aggregate classification (germline): Uncertain significance (1 of 4 stars; one submission).

Conditions:
Alstrom syndrome (ALMS). Identifiers: Orphanet 64, MedGen C0268425, MONDO:0008763, OMIM 203800.

gnomAD v4.1: 1 of 1,614,138 alleles (0.000062%); highest among the groups gnomAD compares: East Asian, 0.0022%; no homozygotes.

Submission:

Labcorp Genetics (formerly Invitae), Labcorp
Classification: Uncertain significance for Alstrom syndrome. Last evaluated: 2026-01-06. Review status: criteria provided, single submitter. Criteria: Invitae Variant Classification Sherloc (09022015). Collection method: clinical testing. Allele origin: germline.
Comment: This sequence change replaces isoleucine, which is neutral and non-polar, with lysine, which is basic and polar, at codon 3159 of the ALMS1 protein (p.Ile3159Lys). This variant is present in population databases (no rsID available, gnomAD 0.01%). This variant has not been reported in the literature in individuals affected with ALMS1-related conditions. Experimental studies and prediction algorithms are not available or were not evaluated, and the functional significance of this variant is currently unknown. In summary, the available evidence is currently insufficient to determine the role of this variant in disease. Therefore, it has been classified as a Variant of Uncertain Significance.

NM_001378454.1(ALMS1):c.9473T>A (p.Ile3158Lys)

Gene: ALMS1 (ALMS1 centrosome and basal body associated protein; plus strand). Cytogenetic location: 2p13.1.
Variant type: single nucleotide variant.
Coding change: c.9473T>A on transcript NM_001378454.1 (MANE Select); coding-DNA position 9473, T replaced by A.
Protein change: p.Ile3158Lys; replaces isoleucine 3158 with lysine.
Molecular consequence: missense variant.
Genome position (GRCh38, 1-based): chr2:73,491,432, T>A. VCF-style: chr2-73491432-T-A. GRCh37 (hg19) VCF-style: chr2-73718559-T-A.
Other names: c.9476T>A, p.Ile3159Lys (NM_015120.4); short protein forms I3159K, I3158K.
Identifiers: ClinVar variation 4744550 (VCV004744550.1).
Genomic context (GRCh38, chr2:73,491,432, plus strand): 5'-TTACTCAGGACTTGAAAACCATACCTTCTCAGAATAGCCAGATAGTAACCTCCAGGCAAA[T>A]ACAAGTGAACATTTCAGATTTCGAAGGACATTCCAATCCAGAGGGGACCCCAGTATTTGC-3'
Protein context (NP_001365383.1, residues 3148-3168): QNSQIVTSRQ[Ile3158Lys]QVNISDFEGH